The following is an entry in ClinVar:

NM_000091.5(COL4A3):c.2188G>C (p.Gly730Arg)

Genes: COL4A3 (collagen type IV alpha 3 chain; plus strand), MFF-DT (MFF divergent transcript; minus strand). Cytogenetic location: 2q36.3.
Variant type: single nucleotide variant.
Coding change: c.2188G>C on transcript NM_000091.5 (MANE Select); coding-DNA position 2188, G replaced by C.
Protein change: p.Gly730Arg; replaces glycine 730 with arginine.
Molecular consequence: missense variant.
Genome position (GRCh38, 1-based): chr2:227,279,855, G>C. VCF-style: chr2-227279855-G-C. GRCh37 (hg19) VCF-style: chr2-228144571-G-C.
Other names: short protein forms G730R.
Identifiers: ClinVar variation 1342003 (VCV001342003.2), dbSNP rs2106147444, ClinGen allele CA350847789.

ClinVar aggregate classification (germline): Uncertain significance. Review status: criteria provided, multiple submitters, no conflicts (2 of 4 stars). 2 submissions from 2 submitters: Uncertain significance (2). Last evaluated 2026-06-05.

Conditions:
Autosomal dominant Alport syndrome (ATS3A). Also called: ALPORT SYNDROME 3A, AUTOSOMAL DOMINANT; Alport syndrome dominant type; Renal failure and sensorineural hearing loss. Identifiers: Orphanet 63, Orphanet 88918, MedGen C5882663, MONDO:0007086, OMIM 104200.

Submissions (2):

Women's Health and Genetics/Laboratory Corporation of America, LabCorp
Classification: Uncertain significance. Last evaluated: 2026-06-05. Review status: criteria provided, single submitter. Criteria: LabCorp Variant Classification Summary - May 2015. Collection method: clinical testing. Allele origin: germline.
Comment: Variant summary: COL4A3 c.2188G>C (p.Gly730Arg) results in a non-conservative amino acid change in the encoded protein sequence. Algorithms developed to predict the effect of missense changes on protein structure and function all suggest that this variant is likely to be disruptive. The variant was absent in 239892 control chromosomes. The available data on variant occurrences in the general population are insufficient to allow any conclusion about variant significance. c.2188G>C has been observed in at least one individual(s) with heterozygous genotype affected with COL4A3-related conditions (e.g. Cerkauskaite_2022). These data do not allow any conclusion about variant significance. To our knowledge, no experimental evidence demonstrating an impact on protein function has been reported. The following publications have been ascertained in the context of this evaluation (PMID: 35419377, 40806767). ClinVar contains an entry for this variant (Variation ID: 1342003). Based on the evidence outlined above, the variant was classified as uncertain significance.

CENTOGENE GmbH and LLC - Guiding Precision Medicine
Classification: Uncertain significance for Autosomal dominant Alport syndrome. Last evaluated: 2022-02-21. Review status: criteria provided, single submitter. Criteria: ACMG Guidelines, 2015. Collection method: clinical testing. Allele origin: germline. Affected: yes.

Literature cited by the submitters: PubMed 35419377 (cited by Women's Health and Genetics/Laboratory Corporation of America, LabCorp); PubMed 40806767 (cited by Women's Health and Genetics/Laboratory Corporation of America, LabCorp).